The following is an entry in ClinVar:

NC_000020.11:g.(?_46021746)_(46057625_?)del

Gene: SLC12A5 (solute carrier family 12 member 5; plus strand). Cytogenetic location: 20q13.12.
Variant type: Deletion.
Identifiers: ClinVar variation 833121 (VCV000833121.6).

ClinVar aggregate classification (germline): Pathogenic (1 of 4 stars; one submission).

Conditions:
Developmental and epileptic encephalopathy, 34 (DEE34). Also called: Early infantile epileptic encephalopathy 34; SLC12A5-Related Epilepsy of Infancy with Migrating Focal Seizures. Identifiers: Orphanet 293181, MedGen C4225257, MONDO:0014718, OMIM 616645.

Submission:

Labcorp Genetics (formerly Invitae), Labcorp
Classification: Pathogenic for Developmental and epileptic encephalopathy, 34. Last evaluated: 2019-01-17. Review status: criteria provided, single submitter. Criteria: Invitae Variant Classification Sherloc (09022015). Collection method: clinical testing. Allele origin: germline.
Comment: A gross deletion of the genomic region encompassing the full coding sequence of the SLC12A5 gene has been identified. The boundaries of this event are unknown as the deletion extends beyond the assayed region for this gene and therefore may encompass additional genes. This variant has not been reported in the literature in individuals with SLC12A5-related conditions. Loss-of-function variants in SLC12A5 are known to be pathogenic (PMID: 26333769, 27436767). For these reasons, this variant has been classified as Pathogenic.

Literature cited by the submitters: PubMed 26333769; PubMed 27436767.